The following is an entry in ClinVar:

ClinVar aggregate classification (germline): Conflicting classifications of pathogenicity. Review status: criteria provided, conflicting classifications (1 of 4 stars). 3 submissions from 3 submitters: Uncertain significance (2); Likely benign (1). Last evaluated 2025-10-09.

Conditions:
Dyskeratosis congenita, autosomal recessive 5 (DKCB5). Identifiers: MedGen C3554656, MONDO:0014076, OMIM 615190.
Pulmonary fibrosis and/or bone marrow failure, Telomere-related, 3. Also called: PULMONARY FIBROSIS AND/OR BONE MARROW FAILURE SYNDROME, TELOMERE-RELATED, 3. Identifiers: Orphanet 2032, MedGen C4225346, MONDO:0014613, OMIM 616373.
Inborn genetic diseases. Identifiers: MedGen C0950123, MeSH D030342.

Allele frequency attached by ClinVar (database versions not stated): gnomAD exomes 0.00003 and 0.00005; TOPMed 0.00003; ExAC 0.00005; gnomAD 0.00005 and 0.00006.
gnomAD v4.1: 48 of 1,550,012 alleles (0.0031%); highest among the groups gnomAD compares: Middle Eastern, 0.022%; no homozygotes.

Submissions (3):

Labcorp Genetics (formerly Invitae), Labcorp
Classification: Uncertain significance for Dyskeratosis congenita, autosomal recessive 5; Pulmonary fibrosis and/or bone marrow failure, Telomere-related, 3. Last evaluated: 2025-10-09. Review status: criteria provided, single submitter. Criteria: Invitae Variant Classification Sherloc (09022015). Collection method: clinical testing. Allele origin: germline.
Comment: This sequence change replaces glutamic acid, which is acidic and polar, with lysine, which is basic and polar, at codon 850 of the RTEL1 protein (p.Glu850Lys). This variant is present in population databases (rs757613157, gnomAD 0.02%). This missense change has been observed in individual(s) with RTEL1-related conditions (PMID: 37944684). ClinVar contains an entry for this variant (Variation ID: 1376351). An algorithm developed to predict the effect of missense changes on protein structure and function outputs the following: PolyPhen-2: "Benign". The lysine amino acid residue is found in multiple mammalian species, which suggests that this missense change does not adversely affect protein function. In summary, the available evidence is currently insufficient to determine the role of this variant in disease. Therefore, it has been classified as a Variant of Uncertain Significance.

Ambry Genetics
Classification: Uncertain significance for Inborn genetic diseases. Last evaluated: 2024-11-20. Review status: criteria provided, single submitter. Criteria: Ambry Variant Classification Scheme 2023. Collection method: clinical testing. Allele origin: germline.
Comment: The p.E850K variant (also known as c.2548G>A), located in coding exon 26 of the RTEL1 gene, results from a G to A substitution at nucleotide position 2548. The glutamic acid at codon 850 is replaced by lysine, an amino acid with similar properties. This amino acid position is conserved. In addition, this alteration is predicted to be tolerated by in silico analysis. Based on the available evidence, the clinical significance of this variant remains unclear.

Blueprint Genetics
Classification: Likely benign. Last evaluated: 2024-03-18. Review status: criteria provided, single submitter. Criteria: ACMG Guidelines, 2015. Collection method: clinical testing. Allele origin: germline.

Literature cited by the submitters: PubMed 37944684 (cited by Labcorp Genetics (formerly Invitae), Labcorp).

NM_001283009.2(RTEL1):c.2548G>A (p.Glu850Lys)

Genes: RTEL1 (regulator of telomere elongation helicase 1; plus strand), RTEL1-TNFRSF6B (RTEL1-TNFRSF6B readthrough (NMD candidate); plus strand). Cytogenetic location: 20q13.33.
Variant type: single nucleotide variant.
Coding change: c.2548G>A on transcript NM_001283009.2 (MANE Select); coding-DNA position 2548, G replaced by A.
Protein change: p.Glu850Lys; replaces glutamic acid 850 with lysine.
Molecular consequence: missense variant. On other transcripts: non-coding transcript variant (1).
Genome position (GRCh38, 1-based): chr20:63,690,939, G>A. VCF-style: chr20-63690939-G-A. GRCh37 (hg19) VCF-style: chr20-62322292-G-A.
Other names: c.1879G>A, p.Glu627Lys (NM_001283010.1); c.2548G>A, p.Glu850Lys (NM_016434.4); c.2620G>A, p.Glu874Lys (NM_032957.5); short protein forms E850K, E627K, E874K.
Identifiers: ClinVar variation 1376351 (VCV001376351.7), dbSNP rs757613157, ClinGen allele CA9965389.